The following is an entry in ClinVar:

NM_019023.5(PRMT7):c.1436C>T (p.Pro479Leu)

Gene: PRMT7 (protein arginine methyltransferase 7; plus strand). Cytogenetic location: 16q22.1.
Variant type: single nucleotide variant.
Coding change: c.1436C>T on transcript NM_019023.5 (MANE Select); coding-DNA position 1436, C replaced by T.
Protein change: p.Pro479Leu; replaces proline 479 with leucine.
Molecular consequence: missense variant. On other transcripts: non-coding transcript variant (12).
Genome position (GRCh38, 1-based): chr16:68,352,270, C>T. VCF-style: chr16-68352270-C-T. GRCh37 (hg19) VCF-style: chr16-68386173-C-T.
Other names: c.1286C>T, p.Pro429Leu (NM_001184824.4); c.1436C>T, p.Pro479Leu (NM_001290018.2, NM_001351143.3, NM_001351144.3 and 1 more transcripts); c.1229C>T, p.Pro410Leu (NM_001378020.1); c.1199C>T, p.Pro400Leu (NM_001378021.1, NM_001378022.1, NM_001378023.1); short protein forms P400L, P410L, P429L, P479L.
Identifiers: ClinVar variation 1307066 (VCV001307066.2), dbSNP rs1441232897, ClinGen allele CA396439477.

ClinVar aggregate classification (germline): Uncertain significance (1 of 4 stars; one submission).

Allele frequency attached by ClinVar (database versions not stated): gnomAD exomes below 0.00001; gnomAD 0.00001; TOPMed 0.00001.
gnomAD v4.1: 6 of 1,613,568 alleles (0.00037%); highest among the groups gnomAD compares: East Asian, 0.0022%; no homozygotes.

Submission:

GeneDx
Classification: Uncertain significance. Last evaluated: 2019-07-24. Review status: criteria provided, single submitter. Criteria: GeneDx Variant Classification Process June 2021. Collection method: clinical testing. Allele origin: germline. Affected: yes.
Comment: Not observed in large population cohorts (Lek et al., 2016); In silico analysis, which includes protein predictors and evolutionary conservation, supports a deleterious effect; Has not been previously published as pathogenic or benign to our knowledge